The following is an entry in ClinVar:

NM_004360.5(CDH1):c.1936+3G>A

Gene: CDH1 (cadherin 1; plus strand). Cytogenetic location: 16q22.1.
Variant type: single nucleotide variant.
Coding change: c.1936+3G>A on transcript NM_004360.5 (MANE Select); 3 bases into the intron after coding-DNA position 1936, G replaced by A.
Molecular consequence: intron variant.
Genome position (GRCh38, 1-based): chr16:68,822,228, G>A. VCF-style: chr16-68822228-G-A. GRCh37 (hg19) VCF-style: chr16-68856131-G-A.
Other names: c.388+3G>A (NM_001317185.2); c.-30+3G>A (NM_001317186.2); c.1753+3G>A (NM_001317184.2).
Identifiers: ClinVar variation 3378491 (VCV003378491.2).

ClinVar aggregate classification (germline): Conflicting classifications of pathogenicity. Review status: criteria provided, conflicting classifications (1 of 4 stars). 2 submissions from 2 submitters: Uncertain significance (1); Likely benign (1). Last evaluated 2025-12-20.

Conditions:
Hereditary diffuse gastric adenocarcinoma (HDGC). Also called: DIFFUSE GASTRIC AND LOBULAR BREAST CANCER SYNDROME. Identifiers: Orphanet 26106, MedGen C1708349, MONDO:0007648, OMIM 137215.

Submissions (2):

Labcorp Genetics (formerly Invitae), Labcorp
Classification: Uncertain significance for Hereditary diffuse gastric adenocarcinoma. Last evaluated: 2025-12-20. Review status: criteria provided, single submitter. Criteria: Invitae Variant Classification Sherloc (09022015). Collection method: clinical testing. Allele origin: germline.
Comment: This sequence change falls in intron 12 of the CDH1 gene. It does not directly change the encoded amino acid sequence of the CDH1 protein. It affects a nucleotide within the consensus splice site. This variant is not present in population databases (gnomAD no frequency). This variant has not been reported in the literature in individuals affected with CDH1-related conditions. ClinVar contains an entry for this variant (Variation ID: 3378491). Variants that disrupt the consensus splice site are a relatively common cause of aberrant splicing (PMID: 17576681, 9536098). Algorithms developed to predict the effect of sequence changes on RNA splicing suggest that this variant is not likely to affect RNA splicing. In summary, the available evidence is currently insufficient to determine the role of this variant in disease. Therefore, it has been classified as a Variant of Uncertain Significance.

Myriad Genetics, Inc.
Classification: Likely benign for Hereditary diffuse gastric adenocarcinoma. Last evaluated: 2024-09-20. Review status: criteria provided, single submitter. Criteria: Myriad Autosomal Dominant, Autosomal Recessive and X-Linked Classification Criteria (2023). Collection method: clinical testing. Allele origin: unknown.
Comment: This variant is considered likely benign. This variant is intronic and is not expected to impact mRNA splicing.

Literature cited by the submitters: PubMed 17576681 (cited by Labcorp Genetics (formerly Invitae), Labcorp); PubMed 9536098 (cited by Labcorp Genetics (formerly Invitae), Labcorp).